The following is an entry in ClinVar:

ClinVar aggregate classification (germline): Uncertain significance (1 of 4 stars; one submission).

Allele frequency attached by ClinVar (database versions not stated): ExAC 0.00005; gnomAD 0.00003; gnomAD exomes 0.00001; TOPMed 0.00003.
gnomAD v4.1: 13 of 1,613,116 alleles (0.00081%); highest among the groups gnomAD compares: East Asian, 0.0067%; no homozygotes.

Submission:

Labcorp Genetics (formerly Invitae), Labcorp
Classification: Uncertain significance. Last evaluated: 2022-03-05. Review status: criteria provided, single submitter. Criteria: Invitae Variant Classification Sherloc (09022015). Collection method: clinical testing. Allele origin: germline.
Comment: This sequence change replaces glutamic acid, which is acidic and polar, with glycine, which is neutral and non-polar, at codon 1541 of the ITGB4 protein (p.Glu1541Gly). This variant is present in population databases (rs759664935, gnomAD 0.02%). This variant has not been reported in the literature in individuals affected with ITGB4-related conditions. Algorithms developed to predict the effect of missense changes on protein structure and function are either unavailable or do not agree on the potential impact of this missense change (SIFT: "Not Available"; PolyPhen-2: "Probably Damaging"; Align-GVGD: "Not Available"). In summary, the available evidence is currently insufficient to determine the role of this variant in disease. Therefore, it has been classified as a Variant of Uncertain Significance.

NM_000213.5(ITGB4):c.4832A>G (p.Glu1611Gly)

Genes: GALK1 (galactokinase 1; minus strand), ITGB4 (integrin subunit beta 4; plus strand). Cytogenetic location: 17q25.1.
Variant type: single nucleotide variant.
Coding change: c.4832A>G on transcript NM_000213.5 (MANE Select); coding-DNA position 4832, A replaced by G.
Protein change: p.Glu1611Gly; replaces glutamic acid 1611 with glycine.
Molecular consequence: missense variant. On other transcripts: intron variant (1).
Genome position (GRCh38, 1-based): chr17:75,756,552, A>G. VCF-style: chr17-75756552-A-G. GRCh37 (hg19) VCF-style: chr17-73752633-A-G.
Other names: c.4781A>G, p.Glu1594Gly (NM_001005619.2); c.4622A>G, p.Glu1541Gly (NM_001005731.3, NM_001321123.2); c.4472A>G, p.Glu1491Gly (NM_001438834.1); c.*22+1482T>C (NM_001381985.1); short protein forms E1594G, E1611G, E1541G, E1491G.
Identifiers: ClinVar variation 1944405 (VCV001944405.2), dbSNP rs759664935, ClinGen allele CA8770332.